The following is an entry in ClinVar:

NM_001378778.1(MPDZ):c.5729G>C (p.Gly1910Ala)

Gene: MPDZ (multiple PDZ domain crumbs cell polarity complex component; minus strand). Cytogenetic location: 9p23.
Variant type: single nucleotide variant.
Coding change: c.5729G>C on transcript NM_001378778.1 (MANE Select); coding-DNA position 5729, G replaced by C.
Protein change: p.Gly1910Ala; replaces glycine 1910 with alanine.
Molecular consequence: missense variant.
Genome position (GRCh38, 1-based): chr9:13,110,736, C>G on the plus strand (G>C on the coding strand, the complement: MPDZ is on the minus strand). VCF-style: chr9-13110736-C-G. GRCh37 (hg19) VCF-style: chr9-13110735-C-G.
Other names: c.5630G>C, p.Gly1877Ala (NM_001261406.2, NM_001375416.1, NM_001375417.1 and 1 more transcripts); c.5543G>C, p.Gly1848Ala (NM_001261407.2, NM_001375419.1); c.5729G>C, p.Gly1910Ala (NM_001330637.2); c.5828G>C, p.Gly1943Ala (NM_001375413.1); c.5519G>C, p.Gly1840Ala (NM_001375420.1, NM_001375421.1, NM_001375422.1 and 2 more transcripts); c.5432G>C, p.Gly1811Ala (NM_001375425.1, NM_001375426.1); c.5321G>C, p.Gly1774Ala (NM_001375427.1); c.5642G>C, p.Gly1881Ala (NM_003829.5); short protein forms G1774A, G1877A, G1881A, G1840A, G1910A, G1943A, G1811A, G1848A.
Identifiers: ClinVar variation 1439931 (VCV001439931.6), dbSNP rs754208398, ClinGen allele CA4986129.

ClinVar aggregate classification (germline): Uncertain significance (1 of 4 stars; one submission).

Allele frequency attached by ClinVar (database versions not stated): gnomAD 0.00002 and 0.00003; TOPMed 0.00004; ExAC 0.00005; gnomAD exomes 0.00005.
gnomAD v4.1: 55 of 1,612,136 alleles (0.0034%); highest among the groups gnomAD compares: Middle Eastern, 0.017%; no homozygotes.

Submission:

Labcorp Genetics (formerly Invitae), Labcorp
Classification: Uncertain significance. Last evaluated: 2023-11-06. Review status: criteria provided, single submitter. Criteria: Invitae Variant Classification Sherloc (09022015). Collection method: clinical testing. Allele origin: germline.
Comment: This sequence change replaces glycine, which is neutral and non-polar, with alanine, which is neutral and non-polar, at codon 1881 of the MPDZ protein (p.Gly1881Ala). This variant is present in population databases (rs754208398, gnomAD 0.01%). This missense change has been observed in individual(s) with retinitis pigmentosa (Invitae). ClinVar contains an entry for this variant (Variation ID: 1439931). An algorithm developed to predict the effect of missense changes on protein structure and function (PolyPhen-2) suggests that this variant is likely to be disruptive. In summary, the available evidence is currently insufficient to determine the role of this variant in disease. Therefore, it has been classified as a Variant of Uncertain Significance.